The following is an entry in ClinVar:

ClinVar aggregate classification (germline): Likely pathogenic (1 of 4 stars; one submission).

Conditions:
Neuromuscular disease caused by qualitative or quantitative defects of dysferlin. Also called: Qualitative or quantitative defects of dysferlin; Dysferlinopathy. Identifiers: Orphanet 207073, MedGen C2931687, MONDO:0016145.

Submission:

Labcorp Genetics (formerly Invitae), Labcorp
Classification: Likely pathogenic for Neuromuscular disease caused by qualitative or quantitative defects of dysferlin. Last evaluated: 2022-08-05. Review status: criteria provided, single submitter. Criteria: Invitae Variant Classification Sherloc (09022015). Collection method: clinical testing. Allele origin: germline.
Comment: This sequence change affects a donor splice site in intron 36 of the DYSF gene. It is expected to disrupt RNA splicing. Variants that disrupt the donor or acceptor splice site typically lead to a loss of protein function (PMID: 16199547), and loss-of-function variants in DYSF are known to be pathogenic (PMID: 17698709, 20301480). This variant is not present in population databases (gnomAD no frequency). In summary, the currently available evidence indicates that the variant is pathogenic, but additional data are needed to prove that conclusively. Therefore, this variant has been classified as Likely Pathogenic. Algorithms developed to predict the effect of sequence changes on RNA splicing suggest that this variant may disrupt the consensus splice site. This variant has not been reported in the literature in individuals affected with DYSF-related conditions.

Literature cited by the submitters: PubMed 16199547; PubMed 17698709; PubMed 20301480.

NM_001130987.2(DYSF):c.3957+1G>A

Genes: DYSF (dysferlin; plus strand), LOC122787137 (CDK7 strongly-dependent group 2 enhancer GRCh37_chr2:71829831-71831030; plus strand). Cytogenetic location: 2p13.2.
Variant type: single nucleotide variant.
Coding change: c.3957+1G>A on transcript NM_001130987.2 (MANE Select); the canonical splice donor site of the intron after coding-DNA position 3957, G replaced by A.
Molecular consequence: splice donor variant.
Genome position (GRCh38, 1-based): chr2:71,602,806, G>A. VCF-style: chr2-71602806-G-A. GRCh37 (hg19) VCF-style: chr2-71829936-G-A.
Other names: c.3996+1G>A (NM_001130979.2); c.3954+1G>A (NM_001130981.2, NM_001130980.2); c.3903+1G>A (NM_001130978.2, NM_003494.4); c.3861+1G>A (NM_001130977.2, NM_001130976.2); c.3999+1G>A (NM_001130982.2); c.3957+1G>A (NM_001130985.2); c.3906+1G>A (NM_001130983.2, NM_001130455.2); c.3864+1G>A (NM_001130984.2, NM_001130986.2).
Identifiers: ClinVar variation 2021928 (VCV002021928.4), dbSNP rs2546074494, ClinGen allele CA347226677.